The following is an entry in ClinVar:

NM_014408.5(TRAPPC3):c.423+1G>T

Gene: TRAPPC3 (trafficking protein particle complex subunit 3; minus strand). Cytogenetic location: 1p34.3.
Variant type: single nucleotide variant.
Coding change: c.423+1G>T on transcript NM_014408.5 (MANE Select); the canonical splice donor site of the intron after coding-DNA position 423, G replaced by T.
Molecular consequence: splice donor variant.
Genome position (GRCh38, 1-based): chr1:36,137,795, C>A on the plus strand (G>T on the coding strand, the complement: TRAPPC3 is on the minus strand). VCF-style: chr1-36137795-C-A. GRCh37 (hg19) VCF-style: chr1-36603396-C-A.
Other names: c.285+1G>T (NM_001270895.2, NM_001270896.2); c.225+1G>T (NM_001270897.2); c.447+1G>T (NM_001270894.2).
Identifiers: ClinVar variation 4720713 (VCV004720713.1).

ClinVar aggregate classification (germline): Uncertain significance (1 of 4 stars; one submission).

Submission:

Labcorp Genetics (formerly Invitae), Labcorp
Classification: Uncertain significance. Last evaluated: 2025-07-10. Review status: criteria provided, single submitter. Criteria: Invitae Variant Classification Sherloc (09022015). Collection method: clinical testing. Allele origin: germline.
Comment: This sequence change falls in intron 4 of the TRAPPC3 gene. It does not directly change the encoded amino acid sequence of the TRAPPC3 protein. It affects a nucleotide within the consensus splice site. This variant is not present in population databases (gnomAD no frequency). This variant has not been reported in the literature in individuals affected with TRAPPC3-related conditions. Variants that disrupt the consensus splice site are a relatively common cause of aberrant splicing (PMID: 17576681, 9536098). Algorithms developed to predict the effect of sequence changes on RNA splicing suggest that this variant may disrupt the consensus splice site. In summary, the available evidence is currently insufficient to determine the role of this variant in disease. Therefore, it has been classified as a Variant of Uncertain Significance.

Literature cited by the submitters: PubMed 17576681; PubMed 9536098.